The following is an entry in ClinVar:

NM_006922.4(SCN3A):c.3161G>T (p.Gly1054Val)

Gene: SCN3A (sodium voltage-gated channel alpha subunit 3; minus strand). Cytogenetic location: 2q24.3.
Variant type: single nucleotide variant.
Coding change: c.3161G>T on transcript NM_006922.4 (MANE Select); coding-DNA position 3161, G replaced by T.
Protein change: p.Gly1054Val; replaces glycine 1054 with valine.
Molecular consequence: missense variant.
Genome position (GRCh38, 1-based): chr2:165,127,863, C>A on the plus strand (G>T on the coding strand, the complement: SCN3A is on the minus strand). VCF-style: chr2-165127863-C-A. GRCh37 (hg19) VCF-style: chr2-165984373-C-A.
Other names: c.3014G>T, p.Gly1005Val (NM_001081676.2, NM_001081677.2); short protein forms G1005V, G1054V.
Identifiers: ClinVar variation 1360449 (VCV001360449.6), dbSNP rs1687084978, ClinGen allele CA349040972.

ClinVar aggregate classification (germline): Uncertain significance (1 of 4 stars; one submission).

Submission:

Labcorp Genetics (formerly Invitae), Labcorp
Classification: Uncertain significance. Last evaluated: 2025-02-20. Review status: criteria provided, single submitter. Criteria: Invitae Variant Classification Sherloc (09022015). Collection method: clinical testing. Allele origin: germline.
Comment: This sequence change replaces glycine, which is neutral and non-polar, with valine, which is neutral and non-polar, at codon 1054 of the SCN3A protein (p.Gly1054Val). This variant is not present in population databases (gnomAD no frequency). This variant has not been reported in the literature in individuals affected with SCN3A-related conditions. ClinVar contains an entry for this variant (Variation ID: 1360449). Invitae Evidence Modeling of protein sequence and biophysical properties (such as structural, functional, and spatial information, amino acid conservation, physicochemical variation, residue mobility, and thermodynamic stability) indicates that this missense variant is not expected to disrupt SCN3A protein function with a negative predictive value of 95%. In summary, the available evidence is currently insufficient to determine the role of this variant in disease. Therefore, it has been classified as a Variant of Uncertain Significance.